The following is an entry in ClinVar:

ClinVar aggregate classification (germline): Uncertain significance (1 of 4 stars; one submission).

Allele frequency attached by ClinVar (database versions not stated): TOPMed 0.00001; gnomAD exomes 0.00003; gnomAD 0.00001; ExAC 0.00002.
gnomAD v4.1: 39 of 1,612,306 alleles (0.0024%); highest among the groups gnomAD compares: Non-Finnish European, 0.0032%; no homozygotes.

Submission:

Labcorp Genetics (formerly Invitae), Labcorp
Classification: Uncertain significance. Last evaluated: 2025-06-10. Review status: criteria provided, single submitter. Criteria: Invitae Variant Classification Sherloc (09022015). Collection method: clinical testing. Allele origin: germline.
Comment: This sequence change creates a premature translational stop signal (p.Arg184*) in the RPL18 gene. While this is not anticipated to result in nonsense mediated decay, it is expected to disrupt the last 5 amino acid(s) of the RPL18 protein. This variant is present in population databases (rs776881353, gnomAD 0.003%). This variant has not been reported in the literature in individuals affected with RPL18-related conditions. ClinVar contains an entry for this variant (Variation ID: 2876415). In summary, the available evidence is currently insufficient to determine the role of this variant in disease. Therefore, it has been classified as a Variant of Uncertain Significance.

NM_000979.4(RPL18):c.550C>T (p.Arg184Ter)

Gene: RPL18 (ribosomal protein L18; minus strand). Cytogenetic location: 19q13.33.
Variant type: single nucleotide variant.
Coding change: c.550C>T on transcript NM_000979.4 (MANE Select); coding-DNA position 550, C replaced by T.
Protein change: p.Arg184Ter; replaces arginine 184 with a stop codon.
Molecular consequence: nonsense. On other transcripts: non-coding transcript variant (1).
Genome position (GRCh38, 1-based): chr19:48,615,389, G>A on the plus strand (C>T on the coding strand, the complement: RPL18 is on the minus strand). VCF-style: chr19-48615389-G-A. GRCh37 (hg19) VCF-style: chr19-49118646-G-A.
Other names: c.463C>T, p.Arg155Ter (NM_001270490.2); short protein forms R184*, R155*.
Identifiers: ClinVar variation 2876415 (VCV002876415.3), dbSNP rs776881353, ClinGen allele CA9553943.